The following is an entry in ClinVar:

NM_007078.3(LDB3):c.1186C>A (p.Arg396=)

Gene: LDB3 (LIM domain binding 3; plus strand). Cytogenetic location: 10q23.2.
Variant type: single nucleotide variant.
Coding change: c.1186C>A on transcript NM_007078.3 (MANE Select); coding-DNA position 1186, C replaced by A.
Protein change: p.Arg396=; no amino-acid change (arginine 396 retained).
Molecular consequence: synonymous variant.
Genome position (GRCh38, 1-based): chr10:86,710,005, C>A. VCF-style: chr10-86710005-C-A. GRCh37 (hg19) VCF-style: chr10-88469762-C-A.
Other names: c.856C>A, p.Arg286= (NM_001080114.2); c.1201C>A, p.Arg401= (NM_001171610.2); c.997C>A, p.Arg333= (NM_001368064.1, NM_001368065.1); c.1045C>A, p.Arg349= (NM_001368066.1).
Identifiers: ClinVar variation 2116286 (VCV002116286.4), dbSNP rs1381057453, ClinGen allele CA470307998.

ClinVar aggregate classification (germline): Uncertain significance (1 of 4 stars; one submission).

Conditions:
Myofibrillar myopathy 4. Also called: Zaspopathy (type). Identifiers: Orphanet 98912, MedGen C4721886, MONDO:0012277, OMIM 609452.

Submission:

Labcorp Genetics (formerly Invitae), Labcorp
Classification: Uncertain significance for Myofibrillar myopathy 4. Last evaluated: 2022-06-17. Review status: criteria provided, single submitter. Criteria: Invitae Variant Classification Sherloc (09022015). Collection method: clinical testing. Allele origin: germline.
Comment: In summary, the available evidence is currently insufficient to determine the role of this variant in disease. Therefore, it has been classified as a Variant of Uncertain Significance. Experimental studies and prediction algorithms are not available or were not evaluated, and the effect of this variant on mRNA splicing is currently unknown. This variant has not been reported in the literature in individuals affected with LDB3-related conditions. This variant is not present in population databases (gnomAD no frequency). This sequence change affects codon 396 of the LDB3 mRNA. It is a 'silent' change, meaning that it does not change the encoded amino acid sequence of the LDB3 protein. The LDB3 gene has multiple clinically relevant transcripts. This variant occurs in alternate transcript NM_007078.3, and corresponds to NM_001080116.1:c.*10631C>A in the primary transcript.